The following is an entry in ClinVar:

ClinVar aggregate classification (germline): Uncertain significance (1 of 4 stars; one submission).

Conditions:
Pitt-Hopkins syndrome (PTHS). Also called: MENTAL RETARDATION, SYNDROMAL, WITH INTERMITTENT HYPERVENTILATION; ENCEPHALOPATHY, SEVERE EPILEPTIC, WITH AUTONOMIC DYSFUNCTION. Identifiers: Orphanet 2896, MedGen C1970431, MONDO:0012589, OMIM 610954.

Submission:

Labcorp Genetics (formerly Invitae), Labcorp
Classification: Uncertain significance for Pitt-Hopkins syndrome. Last evaluated: 2022-06-17. Review status: criteria provided, single submitter. Criteria: Invitae Variant Classification Sherloc (09022015). Collection method: clinical testing. Allele origin: germline.
Comment: In summary, the available evidence is currently insufficient to determine the role of this variant in disease. Therefore, it has been classified as a Variant of Uncertain Significance. Experimental studies and prediction algorithms are not available or were not evaluated, and the functional significance of this variant is currently unknown. This variant has not been reported in the literature in individuals affected with TCF4-related conditions. This variant is not present in population databases (gnomAD no frequency). This sequence change results in a frameshift in the TCF4 gene (p.Leu652Serfs*59). While this is not anticipated to result in nonsense mediated decay, it is expected to disrupt the last 20 amino acid(s) of the TCF4 protein and extend the protein by 38 additional amino acid residues.

NM_001083962.2(TCF4):c.1952dup (p.Leu652fs)

Gene: TCF4 (transcription factor 4; minus strand). Cytogenetic location: 18q21.2.
Variant type: Duplication.
Coding change: c.1952dup on transcript NM_001083962.2 (MANE Select); coding-DNA position 1952, one base duplicated (C; older notation c.1952dupC).
Protein change: p.Leu652fs; shifts the reading frame from leucine 652.
Molecular consequence: frameshift variant.
Genome position (GRCh38, 1-based): chr18:55,228,289, G duplicated on the plus strand (C on the coding strand, the reverse complement: TCF4 is on the minus strand); the first of 5 consecutive G bases (chr18:55,228,289-55,228,293); duplicating any one gives the same sequence. VCF-style (leftmost placement, unchanged base first): chr18-55228288-A-AG. GRCh37 (hg19) VCF-style: chr18-52895519-A-AG.
Other names: c.1949dup, p.Leu651fs (NM_001369569.1, NM_001369570.1, NM_001330604.3); c.1550dup, p.Leu518fs (NM_001243233.2, NM_001348212.2); c.1472dup, p.Leu492fs (NM_001243234.2, NM_001348216.2); c.1460dup, p.Leu488fs (NM_001243235.2, NM_001243236.2); c.1880dup, p.Leu628fs (NM_001243227.2, NM_001348217.1, NM_001348218.2 and 1 more transcripts); c.1970dup, p.Leu658fs (NM_001243228.2); c.1931dup, p.Leu645fs (NM_001243230.2); c.1814dup, p.Leu606fs (NM_001243231.2); and 14 more; short protein forms L487fs, L577fs, L627fs, L629fs, L645fs, L647fs, L518fs, L581fs.
Identifiers: ClinVar variation 2007552 (VCV002007552.4), dbSNP rs2144365111, ClinGen allele CA2580095928.